The following is an entry in ClinVar:

NM_013275.6(ANKRD11):c.744G>C (p.Lys248Asn)

Gene: ANKRD11 (ankyrin repeat domain 11; minus strand). Cytogenetic location: 16q24.3.
Variant type: single nucleotide variant.
Coding change: c.744G>C on transcript NM_013275.6 (MANE Select); coding-DNA position 744, G replaced by C.
Protein change: p.Lys248Asn; replaces lysine 248 with asparagine.
Molecular consequence: missense variant. On other transcripts: non-coding transcript variant (1).
Genome position (GRCh38, 1-based): chr16:89,288,528, C>G on the plus strand (G>C on the coding strand, the complement: ANKRD11 is on the minus strand). VCF-style: chr16-89288528-C-G. GRCh37 (hg19) VCF-style: chr16-89354936-C-G.
Other names: c.744G>C, p.Lys248Asn (NM_001256182.2, NM_001256183.2); short protein forms K248N.
Identifiers: ClinVar variation 1697226 (VCV001697226.2), dbSNP rs2151783410, ClinGen allele CA397166614.

ClinVar aggregate classification (germline): Likely pathogenic (1 of 4 stars; one submission).

Conditions:
KBG syndrome (KBGS). Also called: ANKRD11-Related KBG Syndrome. Identifiers: Orphanet 2332, MedGen C0220687, MONDO:0007846, OMIM 148050.

Submission:

Laboratory of Human Genetics, Universidade de São Paulo
Classification: Likely pathogenic for KBG syndrome. Last evaluated: 2022-05-13. Review status: criteria provided, single submitter. Criteria: ACMG Guidelines, 2015. Collection method: research. Allele origin: de novo. Affected: yes. Observed: 1 heterozygote.
Comment: This variant meets our criteria to be classified as likely pathogenic based upon segregation studies, absence from controls, and in-silico evaluation of pathogenicity.